The following is an entry in ClinVar:

ClinVar aggregate classification (germline): Pathogenic (1 of 4 stars; one submission).

Conditions:
Neurofibromatosis, type 2 (SWNV). Also called: SCHWANNOMATOSIS, VESTIBULAR; BILATERAL ACOUSTIC NEUROFIBROMATOSIS; NF2-Related Schwannomatosis. Identifiers: Orphanet 637, MedGen C0027832, MONDO:0007039, OMIM 101000. Disease mechanism: loss of function.

Submission:

Labcorp Genetics (formerly Invitae), Labcorp
Classification: Pathogenic for Neurofibromatosis, type 2. Last evaluated: 2023-01-25. Review status: criteria provided, single submitter. Criteria: Invitae Variant Classification Sherloc (09022015). Collection method: clinical testing. Allele origin: unknown.
Comment: For these reasons, this variant has been classified as Pathogenic. This variant disrupts a region of the NF2 protein in which other variant(s) (p.Asn220Tyr) have been determined to be pathogenic (PMID: 8230593, 10712203). This suggests that this is a clinically significant region of the protein, and that variants that disrupt it are likely to be disease-causing. This variant is also known as c.600-?_1788+?del p.exon7-17 deletion. A similar copy number variant has been observed in individual(s) with neurofibromatosis, type 2 (PMID: 29409008). This variant is a gross deletion of the genomic region encompassing exon(s) 7-16 of the NF2 gene, which includes the termination codon. This deletion extends beyond the assayed region for this gene and therefore may encompass additional genes. While this deletion is not anticipated to lead to nonsense mediated decay, it is expected to alter mRNA translation or result in a truncated protein product.

Literature cited by the submitters: PubMed 8230593; PubMed 10712203; PubMed 29409008.

NC_000022.10:g.(?_30054146)_(30090791_?)del

Gene: NF2 (NF2, moesin-ezrin-radixin like (MERLIN) tumor suppressor; plus strand). Cytogenetic location: 22q12.2.
Variant type: Deletion.
Identifiers: ClinVar variation 3247171 (VCV003247171.1).